The following is an entry in ClinVar:

NM_004655.4(AXIN2):c.1214A>C (p.Glu405Ala)

Gene: AXIN2 (axin 2; minus strand). Cytogenetic location: 17q24.1.
Variant type: single nucleotide variant.
Coding change: c.1214A>C on transcript NM_004655.4 (MANE Select); coding-DNA position 1214, A replaced by C.
Protein change: p.Glu405Ala; replaces glutamic acid 405 with alanine.
Molecular consequence: missense variant.
Genome position (GRCh38, 1-based): chr17:65,537,822, T>G on the plus strand (A>C on the coding strand, the complement: AXIN2 is on the minus strand). VCF-style: chr17-65537822-T-G. GRCh37 (hg19) VCF-style: chr17-63533940-T-G.
Other names: c.1214A>C (LRG_296t1); c.1214A>C, p.Glu405Ala (NM_001363813.1); short protein forms E405A.
Identifiers: ClinVar variation 571709 (VCV000571709.11), dbSNP rs376701878, ClinGen allele CA8718713.
Genomic context (GRCh38, chr17:65,537,822, plus strand): 5'-AGGGAGAGGGGGTGCTGCGTGGGCGCCCCCTCCCGCGAATTGAGTGTGAGCTCGGAGCCC[T>G]CTCTCTCTTCATCCTGAAAGGGAAGACGTCAGAAGGAGAAGTGACCCAGGAAGCAGAAGG-3'
Protein context (NP_004646.3, residues 395-415): LQQIREDEER[Glu405Ala]GSELTLNSRE

ClinVar aggregate classification (germline): Uncertain significance. Review status: criteria provided, multiple submitters, no conflicts (2 of 4 stars). 2 submissions from 2 submitters: Uncertain significance (2). Last evaluated 2026-01-12.

Conditions:
Oligodontia-cancer predisposition syndrome. Also called: TOOTH AGENESIS-COLORECTAL CANCER SYNDROME. Identifiers: Orphanet 300576, MedGen C1837750, MONDO:0012075, OMIM 608615. Disease mechanism: loss of function.
Hereditary cancer-predisposing syndrome. Also called: Neoplastic Syndromes, Hereditary; Hereditary neoplastic syndrome; Tumor predisposition; Hereditary Cancer Syndrome. Identifiers: Orphanet 140162, MedGen C0027672, MeSH D009386, MONDO:0015356.

Allele frequency attached by ClinVar (database versions not stated): gnomAD exomes 0.00001; ExAC 0.00003; ESP Exome Variant Server 0.00008.

Submissions (2):

Ambry Genetics
Classification: Uncertain significance for Hereditary cancer-predisposing syndrome. Last evaluated: 2026-01-12. Review status: criteria provided, single submitter. Criteria: Ambry Variant Classification Scheme 2023. Collection method: clinical testing. Allele origin: germline.
Comment: The p.E405A variant (also known as c.1214A>C), located in coding exon 5 of the AXIN2 gene, results from an A to C substitution at nucleotide position 1214. The glutamic acid at codon 405 is replaced by alanine, an amino acid with dissimilar properties. This amino acid position is conserved. In addition, the in silico prediction for this alteration is inconclusive. Based on the available evidence, the clinical significance of this variant remains unclear.

Labcorp Genetics (formerly Invitae), Labcorp
Classification: Uncertain significance for Oligodontia-cancer predisposition syndrome. Last evaluated: 2022-07-25. Review status: criteria provided, single submitter. Criteria: Invitae Variant Classification Sherloc (09022015). Collection method: clinical testing. Allele origin: germline.
Comment: In summary, the available evidence is currently insufficient to determine the role of this variant in disease. Therefore, it has been classified as a Variant of Uncertain Significance. Algorithms developed to predict the effect of missense changes on protein structure and function (SIFT, PolyPhen-2, Align-GVGD) all suggest that this variant is likely to be tolerated. ClinVar contains an entry for this variant (Variation ID: 571709). This variant has not been reported in the literature in individuals affected with AXIN2-related conditions. This variant is present in population databases (rs376701878, gnomAD 0.001%). This sequence change replaces glutamic acid, which is acidic and polar, with alanine, which is neutral and non-polar, at codon 405 of the AXIN2 protein (p.Glu405Ala).